The following is an entry in ClinVar:

ClinVar aggregate classification (germline): Uncertain significance (1 of 4 stars; one submission).

Conditions:
Progressive myoclonic epilepsy type 5. Identifiers: Orphanet 402082, MedGen C5190799.

gnomAD v4.1: 8 of 1,613,786 alleles (0.0005%); highest among the groups gnomAD compares: East Asian, 0.0045%; no homozygotes.

Submission:

Labcorp Genetics (formerly Invitae), Labcorp
Classification: Uncertain significance for Progressive myoclonic epilepsy type 5. Last evaluated: 2025-04-27. Review status: criteria provided, single submitter. Criteria: Invitae Variant Classification Sherloc (09022015). Collection method: clinical testing. Allele origin: germline.
Comment: This sequence change replaces arginine, which is basic and polar, with cysteine, which is neutral and slightly polar, at codon 148 of the PRICKLE2 protein (p.Arg148Cys). This variant is not present in population databases (gnomAD no frequency). This variant has not been reported in the literature in individuals affected with PRICKLE2-related conditions. Invitae Evidence Modeling of protein sequence and biophysical properties (such as structural, functional, and spatial information, amino acid conservation, physicochemical variation, residue mobility, and thermodynamic stability) indicates that this missense variant is expected to disrupt PRICKLE2 protein function with a positive predictive value of 80%. In summary, the available evidence is currently insufficient to determine the role of this variant in disease. Therefore, it has been classified as a Variant of Uncertain Significance.

NM_198859.4(PRICKLE2):c.442C>T (p.Arg148Cys)

Gene: PRICKLE2 (prickle planar cell polarity protein 2; minus strand). Cytogenetic location: 3p14.1.
Variant type: single nucleotide variant.
Coding change: c.442C>T on transcript NM_198859.4 (MANE Select); coding-DNA position 442, C replaced by T.
Protein change: p.Arg148Cys; replaces arginine 148 with cysteine.
Molecular consequence: missense variant.
Genome position (GRCh38, 1-based): chr3:64,157,320, G>A on the plus strand (C>T on the coding strand, the complement: PRICKLE2 is on the minus strand). VCF-style: chr3-64157320-G-A. GRCh37 (hg19) VCF-style: chr3-64142996-G-A.
Other names: c.442C>T, p.Arg148Cys (NM_001370528.1); short protein forms R148C.
Identifiers: ClinVar variation 4692576 (VCV004692576.1).